The following is an entry in ClinVar:

NM_004813.4(PEX16):c.584G>T (p.Arg195Leu)

Gene: PEX16 (peroxisomal biogenesis factor 16; minus strand). Cytogenetic location: 11p11.2.
Variant type: single nucleotide variant.
Coding change: c.584G>T on transcript NM_004813.4 (MANE Select); coding-DNA position 584, G replaced by T.
Protein change: p.Arg195Leu; replaces arginine 195 with leucine.
Molecular consequence: missense variant.
Genome position (GRCh38, 1-based): chr11:45,914,426, C>A on the plus strand (G>T on the coding strand, the complement: PEX16 is on the minus strand). VCF-style: chr11-45914426-C-A. GRCh37 (hg19) VCF-style: chr11-45935977-C-A.
Other names: c.584G>T, p.Arg195Leu (NM_057174.3); short protein forms R195L.
Identifiers: ClinVar variation 1927106 (VCV001927106.3), dbSNP rs959280173, ClinGen allele CA380227118.

ClinVar aggregate classification (germline): Uncertain significance. Review status: criteria provided, multiple submitters, no conflicts (2 of 4 stars). 2 submissions from 2 submitters: Uncertain significance (2). Last evaluated 2022-01-28.

Conditions:
Inborn genetic diseases. Identifiers: MedGen C0950123, MeSH D030342.
Peroxisome biogenesis disorder. Identifiers: Orphanet 79189, MedGen C1832200, MONDO:0019234. Disease mechanism: loss of function.

Submissions (2):

Labcorp Genetics (formerly Invitae), Labcorp
Classification: Uncertain significance for Peroxisome biogenesis disorder. Last evaluated: 2022-01-28. Review status: criteria provided, single submitter. Criteria: Invitae Variant Classification Sherloc (09022015). Collection method: clinical testing. Allele origin: germline.
Comment: This sequence change replaces arginine, which is basic and polar, with leucine, which is neutral and non-polar, at codon 195 of the PEX16 protein (p.Arg195Leu). This variant is not present in population databases (gnomAD no frequency). This variant has not been reported in the literature in individuals affected with PEX16-related conditions. Algorithms developed to predict the effect of missense changes on protein structure and function (SIFT, PolyPhen-2, Align-GVGD) all suggest that this variant is likely to be tolerated. In summary, the available evidence is currently insufficient to determine the role of this variant in disease. Therefore, it has been classified as a Variant of Uncertain Significance.

Ambry Genetics
Classification: Uncertain significance for Inborn genetic diseases. Last evaluated: 2022-01-05. Review status: criteria provided, single submitter. Criteria: Ambry Variant Classification Scheme 2023. Collection method: clinical testing. Allele origin: germline.